The following is an entry in ClinVar:

ClinVar aggregate classification (germline): Conflicting classifications of pathogenicity. Review status: criteria provided, conflicting classifications (1 of 4 stars). 2 submissions from 2 submitters: Uncertain significance (1); Likely benign (1). Last evaluated 2025-03-19.

Allele frequency attached by ClinVar (database versions not stated): ExAC 0.00001; gnomAD exomes 0.00001; TOPMed 0.00003; gnomAD 0.00004; 1000 Genomes Project 30x 0.00021; 1000 Genomes Project 0.00026.

Submissions (2):

Labcorp Genetics (formerly Invitae), Labcorp
Classification: Uncertain significance. Last evaluated: 2025-03-19. Review status: criteria provided, single submitter. Criteria: Invitae Variant Classification Sherloc (09022015). Collection method: clinical testing. Allele origin: germline.
Comment: This sequence change replaces arginine, which is basic and polar, with histidine, which is basic and polar, at codon 634 of the AMER1 protein (p.Arg634His). This variant is present in population databases (rs778813513, gnomAD 0.03%), including at least one homozygous and/or hemizygous individual. This variant has not been reported in the literature in individuals affected with AMER1-related conditions. ClinVar contains an entry for this variant (Variation ID: 3025566). An algorithm developed to predict the effect of missense changes on protein structure and function outputs the following: PolyPhen-2: "Benign". The histidine amino acid residue is found in multiple mammalian species, which suggests that this missense change does not adversely affect protein function. In summary, the available evidence is currently insufficient to determine the role of this variant in disease. Therefore, it has been classified as a Variant of Uncertain Significance.

CeGaT Center for Human Genetics Tuebingen
Classification: Likely benign. Last evaluated: 2024-03-01. Review status: criteria provided, single submitter. Criteria: CeGaT Center For Human Genetics Tuebingen Variant Classification Criteria Version 2. Collection method: clinical testing. Allele origin: germline. Affected: yes. Observed: 2 variant alleles.
Comment: AMER1: BP4

NM_152424.4(AMER1):c.1901G>A (p.Arg634His)

Gene: AMER1 (APC membrane recruitment protein 1; minus strand). Cytogenetic location: Xq11.2.
Variant type: single nucleotide variant.
Coding change: c.1901G>A on transcript NM_152424.4 (MANE Select); coding-DNA position 1901, G replaced by A.
Protein change: p.Arg634His; replaces arginine 634 with histidine.
Molecular consequence: missense variant.
Genome position (GRCh38, 1-based): chrX:64,191,386, C>T on the plus strand (G>A on the coding strand, the complement: AMER1 is on the minus strand). VCF-style: chrX-64191386-C-T. GRCh37 (hg19) VCF-style: chrX-63411266-C-T.
Other names: short protein forms R634H.
Identifiers: ClinVar variation 3025566 (VCV003025566.23), dbSNP rs778813513, ClinGen allele CA10432268.